The following is an entry in ClinVar:

NM_018685.5(ANLN):c.2117A>T (p.Lys706Ile)

Gene: ANLN (anillin, actin binding protein; plus strand). Cytogenetic location: 7p14.2.
Variant type: single nucleotide variant.
Coding change: c.2117A>T on transcript NM_018685.5 (MANE Select); coding-DNA position 2117, A replaced by T.
Protein change: p.Lys706Ile; replaces lysine 706 with isoleucine.
Molecular consequence: missense variant.
Genome position (GRCh38, 1-based): chr7:36,420,698, A>T. VCF-style: chr7-36420698-A-T. GRCh37 (hg19) VCF-style: chr7-36460307-A-T.
Other names: c.2006A>T, p.Lys669Ile (NM_001284301.3); c.2003A>T, p.Lys668Ile (NM_001284302.3); short protein forms K669I, K668I, K706I.
Identifiers: ClinVar variation 2004538 (VCV002004538.4), dbSNP rs2534616712, ClinGen allele CA367213138.

ClinVar aggregate classification (germline): Uncertain significance (1 of 4 stars; one submission).

Submission:

Labcorp Genetics (formerly Invitae), Labcorp
Classification: Uncertain significance. Last evaluated: 2025-06-12. Review status: criteria provided, single submitter. Criteria: Invitae Variant Classification Sherloc (09022015). Collection method: clinical testing. Allele origin: germline.
Comment: This sequence change replaces lysine, which is basic and polar, with isoleucine, which is neutral and non-polar, at codon 706 of the ANLN protein (p.Lys706Ile). This variant is not present in population databases (gnomAD no frequency). This variant has not been reported in the literature in individuals affected with ANLN-related conditions. ClinVar contains an entry for this variant (Variation ID: 2004538). Invitae Evidence Modeling of protein sequence and biophysical properties (such as structural, functional, and spatial information, amino acid conservation, physicochemical variation, residue mobility, and thermodynamic stability) indicates that this missense variant is not expected to disrupt ANLN protein function with a negative predictive value of 80%. In summary, the available evidence is currently insufficient to determine the role of this variant in disease. Therefore, it has been classified as a Variant of Uncertain Significance.